The following is an entry in ClinVar:

ClinVar aggregate classification (germline): Uncertain significance (1 of 4 stars; one submission).

gnomAD v4.1: 1 of 1,614,206 alleles (0.000062%); highest among the groups gnomAD compares: Non-Finnish European, 0.000085%; no homozygotes.

Submission:

Labcorp Genetics (formerly Invitae), Labcorp
Classification: Uncertain significance. Last evaluated: 2023-01-20. Review status: criteria provided, single submitter. Criteria: Invitae Variant Classification Sherloc (09022015). Collection method: clinical testing. Allele origin: germline.
Comment: Advanced modeling of protein sequence and biophysical properties (such as structural, functional, and spatial information, amino acid conservation, physicochemical variation, residue mobility, and thermodynamic stability) performed at Invitae indicates that this missense variant is expected to disrupt POLE protein function. This variant has not been reported in the literature in individuals affected with POLE-related conditions. This variant is not present in population databases (gnomAD no frequency). This sequence change replaces isoleucine, which is neutral and non-polar, with leucine, which is neutral and non-polar, at codon 929 of the POLE protein (p.Ile929Leu). In summary, the available evidence is currently insufficient to determine the role of this variant in disease. Therefore, it has been classified as a Variant of Uncertain Significance.

NM_006231.4(POLE):c.2785A>C (p.Ile929Leu)

Gene: POLE (DNA polymerase epsilon, catalytic subunit; minus strand). Cytogenetic location: 12q24.33.
Variant type: single nucleotide variant.
Coding change: c.2785A>C on transcript NM_006231.4 (MANE Select); coding-DNA position 2785, A replaced by C.
Protein change: p.Ile929Leu; replaces isoleucine 929 with leucine.
Molecular consequence: missense variant.
Genome position (GRCh38, 1-based): chr12:132,661,606, T>G on the plus strand (A>C on the coding strand, the complement: POLE is on the minus strand). VCF-style: chr12-132661606-T-G. GRCh37 (hg19) VCF-style: chr12-133238192-T-G.
Other names: short protein forms I929L.
Identifiers: ClinVar variation 2830380 (VCV002830380.3), dbSNP rs765066823, ClinGen allele CA387393808.